The following is an entry in ClinVar:

ClinVar aggregate classification (germline): Uncertain significance (1 of 4 stars; one submission).

gnomAD v4.1: 2 of 1,613,534 alleles (0.00012%); highest among the groups gnomAD compares: Non-Finnish European, 0.00017%; no homozygotes.

Submission:

Labcorp Genetics (formerly Invitae), Labcorp
Classification: Uncertain significance. Last evaluated: 2024-06-03. Review status: criteria provided, single submitter. Criteria: Invitae Variant Classification Sherloc (09022015). Collection method: clinical testing. Allele origin: germline.
Comment: This sequence change falls in intron 2 of the DHX37 gene. It does not directly change the encoded amino acid sequence of the DHX37 protein. It affects a nucleotide within the consensus splice site. This variant is present in population databases (rs751471128, gnomAD 0.0009%). This variant has not been reported in the literature in individuals affected with DHX37-related conditions. Variants that disrupt the consensus splice site are a relatively common cause of aberrant splicing (PMID: 17576681, 9536098). Algorithms developed to predict the effect of sequence changes on RNA splicing suggest that this variant is not likely to affect RNA splicing. In summary, the available evidence is currently insufficient to determine the role of this variant in disease. Therefore, it has been classified as a Variant of Uncertain Significance.

Literature cited by the submitters: PubMed 17576681; PubMed 9536098.

NM_032656.4(DHX37):c.276+6C>T

Gene: DHX37 (DEAH-box helicase 37; minus strand). Cytogenetic location: 12q24.31.
Variant type: single nucleotide variant.
Coding change: c.276+6C>T on transcript NM_032656.4 (MANE Select); 6 bases into the intron after coding-DNA position 276, C replaced by T.
Molecular consequence: intron variant.
Genome position (GRCh38, 1-based): chr12:124,986,090, G>A on the plus strand (C>T on the coding strand, the complement: DHX37 is on the minus strand). VCF-style: chr12-124986090-G-A. GRCh37 (hg19) VCF-style: chr12-125470636-G-A.
Identifiers: ClinVar variation 3687771 (VCV003687771.2).